The following is an entry in ClinVar:

ClinVar aggregate classification (germline): Likely benign (1 of 4 stars; one submission).

gnomAD v4.1: 1 of 1,612,726 alleles (0.000062%); highest among the groups gnomAD compares: Non-Finnish European, 0.000085%; no homozygotes.

Submission:

CeGaT Center for Human Genetics Tuebingen
Classification: Likely benign. Last evaluated: 2026-07-01. Review status: criteria provided, single submitter. Criteria: CeGaT Center For Human Genetics Tuebingen Variant Classification Criteria Version 2. Collection method: clinical testing. Allele origin: germline. Affected: yes. Observed: 1 variant allele.
Comment: PKP2: BP4, BP7

NM_001005242.3(PKP2):c.1584G>A (p.Gly528=)

Gene: PKP2 (plakophilin 2; minus strand). Cytogenetic location: 12p11.21.
Variant type: single nucleotide variant.
Coding change: c.1584G>A on transcript NM_001005242.3 (MANE Select); coding-DNA position 1584, G replaced by A.
Protein change: p.Gly528=; no amino-acid change (glycine 528 retained).
Molecular consequence: synonymous variant.
Genome position (GRCh38, 1-based): chr12:32,824,135, C>T on the plus strand (G>A on the coding strand, the complement: PKP2 is on the minus strand). VCF-style: chr12-32824135-C-T. GRCh37 (hg19) VCF-style: chr12-32977069-C-T.
Other names: c.1584G>A, p.Gly528= (NM_001407155.1, NM_001407156.1, NM_001407161.1); c.1716G>A, p.Gly572= (NM_001407157.1, NM_004572.4); c.1257G>A, p.Gly419= (NM_001407158.1, NM_001407159.1, NM_001407160.1 and 1 more transcripts).
Identifiers: ClinVar variation 5040030 (VCV005040030.1).
Genomic context (GRCh38, chr12:32,824,135, plus strand): 5'-TCCTCTGACATAATGGACCAGTGAGTCAATGAGTCCGTCACATCTTCTCATCGCTTTTCT[C>T]CCATCAGCGCCAGCAGAACTCATGTTTCTATCAGAAAAAACAAAAAACAAAAAAGTAAGT-3'
Protein context (NP_001005242.2, residues 518-538): LRNMSSAGAD[Gly528=]RKAMRRCDGL